The following is an entry in ClinVar:

NM_001162501.2(TNRC6B):c.1259G>C (p.Gly420Ala)

Gene: TNRC6B (trinucleotide repeat containing adaptor 6B; plus strand). Cytogenetic location: 22q13.1.
Variant type: single nucleotide variant.
Coding change: c.1259G>C on transcript NM_001162501.2 (MANE Select); coding-DNA position 1259, G replaced by C.
Protein change: p.Gly420Ala; replaces glycine 420 with alanine.
Molecular consequence: missense variant. On other transcripts: intron variant (1).
Genome position (GRCh38, 1-based): chr22:40,265,489, G>C. VCF-style: chr22-40265489-G-C. GRCh37 (hg19) VCF-style: chr22-40661493-G-C.
Other names: c.1259G>C, p.Gly420Ala (NM_015088.3); c.565+3316G>C (NM_001024843.2); short protein forms G420A.
Identifiers: ClinVar variation 4538842 (VCV004538842.1).
Genomic context (GRCh38, chr22:40,265,489, plus strand): 5'-TGGGGAACACCTCCAGGAGCACTGATGCCCCTTCACAAAGCACTGGAGATCGAAAGACTG[G>C]GAGTGTTGGATCTTGGGGTGCAGCTAGGGGGCCTTCTGGAACTGACACAGTCTCTGGACA-3'
Protein context (NP_001155973.1, residues 410-430): PSQSTGDRKT[Gly420Ala]SVGSWGAARG

ClinVar aggregate classification (germline): Uncertain significance (1 of 4 stars; one submission).

gnomAD v4.1: 3 of 1,613,814 alleles (0.00019%); highest among the groups gnomAD compares: Admixed American, 0.005%; no homozygotes.

Submission:

GeneDx
Classification: Uncertain significance. Last evaluated: 2025-06-20. Review status: criteria provided, single submitter. Criteria: GeneDx Variant Classification Process June 2021. Collection method: clinical testing. Allele origin: germline. Affected: yes.
Comment: Not observed at significant frequency in large population cohorts (gnomAD); In silico analysis suggests that this missense variant does not alter protein structure/function; Has not been previously published as pathogenic or benign to our knowledge